The following is an entry in ClinVar:

ClinVar aggregate classification (germline): Pathogenic (1 of 4 stars; one submission).

Conditions:
Primary hyperoxaluria type 3. Also called: PH III. Identifiers: Orphanet 416, Orphanet 93600, MedGen C3150878, MONDO:0013327, OMIM 613616. Disease mechanism: loss of function.

Submission:

Myriad Genetics, Inc.
Classification: Pathogenic for Primary hyperoxaluria type 3. Last evaluated: 2025-07-23. Review status: criteria provided, single submitter. Criteria: Myriad Autosomal Dominant, Autosomal Recessive and X-Linked Classification Criteria (2023). Collection method: clinical testing. Allele origin: unknown.
Comment: NM_138413.3(HOGA1):c.135dupC(F46Lfs*43) is a frameshift variant classified as pathogenic in the context of primary hyperoxaluria type 3. F46Lfs*43 has not been observed in cases with relevant disease. Relevant functional assessments of this variant are not available in the literature. F46Lfs*43 has not been observed in referenced population frequency databases. In summary, NM_138413.3(HOGA1):c.135dupC(F46Lfs*43) is a frameshift variant in a gene where loss of function is a known mechanism of disease and is predicted to disrupt protein function. Please note: this variant was assessed in the context of healthy population screening.

NM_138413.4(HOGA1):c.135dup (p.Phe46fs)

Gene: HOGA1 (4-hydroxy-2-oxoglutarate aldolase 1; plus strand). Cytogenetic location: 10q24.2.
Variant type: Duplication.
Coding change: c.135dup on transcript NM_138413.4 (MANE Select); coding-DNA position 135, one base duplicated (C; older notation c.135dupC).
Protein change: p.Phe46fs; shifts the reading frame from phenylalanine 46.
Molecular consequence: frameshift variant.
Genome position (GRCh38, 1-based): chr10:97,584,838, C duplicated; the last of 5 consecutive C bases (chr10:97,584,834-97,584,838); duplicating any one gives the same sequence. VCF-style (leftmost placement, unchanged base first): chr10-97584833-A-AC. GRCh37 (hg19) VCF-style: chr10-99344590-A-AC.
Other names: c.135dup, p.Phe46fs (NM_001134670.2); short protein forms F46fs.
Identifiers: ClinVar variation 5003896 (VCV005003896.1).